The following is an entry in ClinVar:

NM_000487.6(ARSA):c.141del (p.Thr48fs)

Gene: ARSA (arylsulfatase A; minus strand). Cytogenetic location: 22q13.33.
Variant type: Deletion.
Coding change: c.141del on transcript NM_000487.6 (MANE Select); coding-DNA position 141, one base deleted (C; older notation c.141delC).
Protein change: p.Thr48fs; shifts the reading frame from threonine 48.
Molecular consequence: frameshift variant. On other transcripts: intron variant (2).
Genome position (GRCh38, 1-based): chr22:50,627,639, G deleted on the plus strand (C on the coding strand, the reverse complement: ARSA is on the minus strand); the first of 2 consecutive G bases (chr22:50,627,639-50,627,640); deleting either gives the same sequence. VCF-style (leftmost placement, unchanged base first): chr22-50627638-TG-T. GRCh37 (hg19) VCF-style: chr22-51066066-TG-T.
Other names: NP_000478.3:p.(Thr48LeufsTer32); c.141del, p.Thr48fs (NM_001085425.3, NM_001085426.3, NM_001085427.3); c.-34-233del (NM_001362782.2, NM_001085428.3); short protein forms T48fs.
Identifiers: ClinVar variation 4850935 (VCV004850935.2).

ClinVar aggregate classification (germline): Likely pathogenic (1 of 4 stars; one submission).

Conditions:
Metachromatic leukodystrophy (MLD). Also called: ARSA DEFICIENCY; CEREBROSIDE SULFATASE DEFICIENCY; METACHROMATIC LEUKOENCEPHALOPATHY; Cerebral sclerosis diffuse metachromatic form; Arylsulfatase A Deficiency; SULFATIDE LIPIDOSIS. Identifiers: Orphanet 512, MedGen C0023522, MONDO:0018868, OMIM 250100.

Submission:

Laboratory of Experimental Gene Therapy of Hereditary Metabolic Diseases, Research Centre for Medical Genetics
Classification: Likely pathogenic for Metachromatic leukodystrophy. Last evaluated: 2026-09-17. Review status: criteria provided, single submitter. Criteria: ARSA MLD Assertion Criteria V2 2026 09 18. Collection method: clinical testing. Allele origin: germline. Inheritance: Autosomal recessive inheritance. Affected: yes. Observed: 1 variant allele, 1 compound heterozygote.
Comment: Reassessed under ACMG/AMP 2015 with ClinGen SVI refinements and a Bayesian point framework (supporting=1, moderate=2, strong=4, very strong=8; 6-9 points=likely pathogenic; >=10 points=pathogenic). Final score: 9. Evidence applied: PVS1_VeryStrong, PM2_Supporting. Observations from the present referral series were excluded from classification.